The following is an entry in ClinVar:

ClinVar aggregate classification (germline): Uncertain significance (1 of 4 stars; one submission).

Conditions:
Hypohidrotic X-linked ectodermal dysplasia (XHED). Also called: Anhidrotic ectodermal dysplasia X-linked; Christ Siemens Touraine syndrome; ECTODERMAL DYSPLASIA 1, HYPOHIDROTIC, X-LINKED; ECTODERMAL DYSPLASIA 1, HYPOHIDROTIC/HAIR/TOOTH TYPE, X-LINKED; Ectodermal Dysplasia 1, Anhidrotic; Christ-Siemans-Touraine syndrome. Identifiers: Orphanet 181, Orphanet 238468, MedGen C0162359, MONDO:0010585, OMIM 305100.

Submission:

Labcorp Genetics (formerly Invitae), Labcorp
Classification: Uncertain significance for Hypohidrotic X-linked ectodermal dysplasia. Last evaluated: 2022-07-26. Review status: criteria provided, single submitter. Criteria: Invitae Variant Classification Sherloc (09022015). Collection method: clinical testing. Allele origin: germline.
Comment: This sequence change replaces threonine, which is neutral and polar, with isoleucine, which is neutral and non-polar, at codon 341 of the EDA protein (p.Thr341Ile). This variant is not present in population databases (gnomAD no frequency). This variant has not been reported in the literature in individuals affected with EDA-related conditions. Advanced modeling of protein sequence and biophysical properties (such as structural, functional, and spatial information, amino acid conservation, physicochemical variation, residue mobility, and thermodynamic stability) performed at Invitae indicates that this missense variant is expected to disrupt EDA protein function. In summary, the available evidence is currently insufficient to determine the role of this variant in disease. Therefore, it has been classified as a Variant of Uncertain Significance.

NM_001399.5(EDA):c.1022C>T (p.Thr341Ile)

Gene: EDA (ectodysplasin A; plus strand). Cytogenetic location: Xq13.1.
Variant type: single nucleotide variant.
Coding change: c.1022C>T on transcript NM_001399.5 (MANE Select); coding-DNA position 1022, C replaced by T.
Protein change: p.Thr341Ile; replaces threonine 341 with isoleucine.
Molecular consequence: missense variant.
Genome position (GRCh38, 1-based): chrX:70,035,455, C>T. VCF-style: chrX-70035455-C-T. GRCh37 (hg19) VCF-style: chrX-69255305-C-T.
Other names: c.1016C>T, p.Thr339Ile (NM_001005609.2); c.1007C>T, p.Thr336Ile (NM_001005612.3); short protein forms T336I, T339I, T341I.
Identifiers: ClinVar variation 1713837 (VCV001713837.5), dbSNP rs2520346900, ClinGen allele CA413449898.